The following is an entry in ClinVar:

NM_052896.5(CSMD2):c.45A>G (p.Gln15=)

Gene: CSMD2 (CUB and Sushi multiple domains 2; minus strand). Cytogenetic location: 1p35.1.
Variant type: single nucleotide variant.
Coding change: c.45A>G on transcript NM_052896.5; coding-DNA position 45, A replaced by G.
Protein change: p.Gln15=; no amino-acid change (glutamine 15 retained).
Molecular consequence: synonymous variant.
Genome position (GRCh38, 1-based): chr1:34,165,769, T>C on the plus strand (A>G on the coding strand, the complement: CSMD2 is on the minus strand). VCF-style: chr1-34165769-T-C. GRCh37 (hg19) VCF-style: chr1-34631370-T-C.
Identifiers: ClinVar variation 2638639 (VCV002638639.22), dbSNP rs142482593, ClinGen allele CA753701.

ClinVar aggregate classification (germline): Likely benign (1 of 4 stars; one submission).

Allele frequency attached by ClinVar (database versions not stated): gnomAD 0.00205; 1000 Genomes Project 0.00080; TOPMed 0.00155; ExAC 0.00232; 1000 Genomes Project 30x 0.00062; ESP Exome Variant Server 0.00200; gnomAD exomes 0.00263.
gnomAD v4.1: 4,098 of 1,613,922 alleles (0.25%); highest among the groups gnomAD compares: Non-Finnish European, 0.3%; 6 homozygotes.

Submission:

CeGaT Center for Human Genetics Tuebingen
Classification: Likely benign. Last evaluated: 2022-09-01. Review status: criteria provided, single submitter. Criteria: CeGaT Center For Human Genetics Tuebingen Variant Classification Criteria Version 2. Collection method: clinical testing. Allele origin: germline. Affected: yes. Observed: 1 variant allele.
Comment: CSMD2: BP4, BP7